The following is an entry in ClinVar:

ClinVar aggregate classification (germline): Uncertain significance (1 of 4 stars; one submission).

Conditions:
Charcot-Marie-Tooth disease dominant intermediate B (CMTDIB). Also called: CHARCOT-MARIE-TOOTH NEUROPATHY, DOMINANT INTERMEDIATE B; Charcot-Marie-Tooth disease dominant intermediate 1; CMT DI1; Charcot-Marie-Tooth disease dominant intermediate I. Identifiers: Orphanet 100044, Orphanet 228179, MedGen C1847902, MONDO:0011674, OMIM 606482.

gnomAD v4.1: 1 of 1,614,038 alleles (0.000062%); highest among the groups gnomAD compares: African/African-American, 0.0013%; no homozygotes.

Submission:

Labcorp Genetics (formerly Invitae), Labcorp
Classification: Uncertain significance for Charcot-Marie-Tooth disease dominant intermediate B. Last evaluated: 2024-06-23. Review status: criteria provided, single submitter. Criteria: Invitae Variant Classification Sherloc (09022015). Collection method: clinical testing. Allele origin: germline.
Comment: This sequence change replaces leucine, which is neutral and non-polar, with valine, which is neutral and non-polar, at codon 354 of the DNM2 protein (p.Leu354Val). This variant is not present in population databases (gnomAD no frequency). This variant has not been reported in the literature in individuals affected with DNM2-related conditions. Advanced modeling of protein sequence and biophysical properties (such as structural, functional, and spatial information, amino acid conservation, physicochemical variation, residue mobility, and thermodynamic stability) has been performed at Invitae for this missense variant, however the output from this modeling did not meet the statistical confidence thresholds required to predict the impact of this variant on DNM2 protein function. In summary, the available evidence is currently insufficient to determine the role of this variant in disease. Therefore, it has been classified as a Variant of Uncertain Significance.

NM_001005361.3(DNM2):c.1060C>G (p.Leu354Val)

Gene: DNM2 (dynamin 2; plus strand). Cytogenetic location: 19p13.2.
Variant type: single nucleotide variant.
Coding change: c.1060C>G on transcript NM_001005361.3 (MANE Select); coding-DNA position 1060, C replaced by G.
Protein change: p.Leu354Val; replaces leucine 354 with valine.
Molecular consequence: missense variant.
Genome position (GRCh38, 1-based): chr19:10,793,787, C>G. VCF-style: chr19-10793787-C-G. GRCh37 (hg19) VCF-style: chr19-10904463-C-G.
Other names: c.1060C>G, p.Leu354Val (NM_001005360.3, NM_001005362.3, NM_001190716.2 and 1 more transcripts); short protein forms L354V.
Identifiers: ClinVar variation 3615773 (VCV003615773.2).
Genomic context (GRCh38, chr19:10,793,787, plus strand): 5'-CAGCAGTTTGGGGTGGATTTTGAGAAGAGGATCGAGGGCTCAGGAGATCAGGTGGACACT[C>G]TGGAGCTCTCCGGGGGCGCCCGAATCAATCGCATCTTCCACGAGCGGTTCCCATTTGAGC-3'
Protein context (NP_001005361.1, residues 344-364): IEGSGDQVDT[Leu354Val]ELSGGARINR